The following is an entry in ClinVar:

ClinVar aggregate classification (germline): Conflicting classifications of pathogenicity. Review status: criteria provided, conflicting classifications (1 of 4 stars). 4 submissions from 4 submitters: Likely pathogenic (1); Uncertain significance (3). Last evaluated 2026-01-26.

Conditions:
Autosomal dominant hypocalcemia 1 (HYPOC1). Also called: HYPOCALCEMIA, FAMILIAL. Identifiers: MedGen C3715128, MONDO:0011013, OMIM 601198.
Familial hypocalciuric hypercalcemia (FHH). Also called: Familial benign hypercalcemia. Identifiers: Orphanet 405, MedGen C1809471, MONDO:0018458.
Familial hypocalciuric hypercalcemia 1. Also called: Hypercalcemia, familial benign type 1. Identifiers: Orphanet 405, Orphanet 93372, MedGen C0342637, MONDO:0007791, OMIM 145980.

Submissions (4):

Labcorp Genetics (formerly Invitae), Labcorp
Classification: Likely pathogenic for Familial hypocalciuric hypercalcemia; Autosomal dominant hypocalcemia 1. Last evaluated: 2026-01-26. Review status: criteria provided, single submitter. Criteria: Invitae Variant Classification Sherloc (09022015). Collection method: clinical testing. Allele origin: germline.
Comment: This sequence change replaces asparagine, which is neutral and polar, with serine, which is neutral and polar, at codon 176 of the CASR protein (p.Asn176Ser). This variant is not present in population databases (gnomAD no frequency). This missense change has been observed in individual(s) with clinical features of hypocalciuric hypercalcemia (internal data). Invitae Evidence Modeling of clinical and family history, age, sex, and reported ancestry of multiple individuals with this CASR variant has been performed. This variant is expected to be pathogenic with a positive predictive value of at least 99%. This is a validated machine learning model that incorporates the clinical features of 646,172 individuals referred to our laboratory for CASR testing. ClinVar contains an entry for this variant (Variation ID: 410332). An algorithm developed to predict the effect of missense changes on protein structure and function (PolyPhen-2) suggests that this variant is likely to be disruptive. In summary, the currently available evidence indicates that the variant is pathogenic, but additional data are needed to prove that conclusively. Therefore, this variant has been classified as Likely Pathogenic.

Mayo Clinic Laboratories, Mayo Clinic
Classification: Uncertain significance. Last evaluated: 2022-09-26. Review status: criteria provided, single submitter. Criteria: ACMG Guidelines, 2015. Collection method: clinical testing. Allele origin: germline. Observed: 1 variant allele.
Comment: PM2_supporting

Victorian Clinical Genetics Services, Murdoch Childrens Research Institute
Classification: Uncertain significance for Familial hypocalciuric hypercalcemia 1. Last evaluated: 2022-02-02. Review status: criteria provided, single submitter. Criteria: ACMG Guidelines, 2015. Collection method: clinical testing. Allele origin: germline. Inheritance: Autosomal dominant inheritance. Affected: yes.
Comment: Based on the classification scheme VCGS_Germline_v1.3.4, this variant is classified as VUS-3C. Following criteria are met: 0103 - Dominant negative and loss of function are known mechanisms of disease in this gene and are associated with hypocalciuric hypercalcemia (MIM#145980) and neonatal hyperparathyroidism (MIM#239200) whereas gain-of-function is associated with hypocalcemia, with or without Bartter syndrome (MIM#601198) (PMID: 22422767, 26646938). (I) 0108 - This gene is associated with both recessive and dominant disease (OMIM). (I) 0115 - Variants in this gene are known to have variable expressivity. Intra-familial variability has been reported (PMID: 11807402) (I) 0200 - Variant is predicted to result in a missense amino acid change from asparagine to serine. (I) 0251 - This variant is heterozygous. (I) 0301 - Variant is absent from gnomAD (both v2 and v3). (SP) 0309 - An alternative amino acid change at the same position has been observed in gnomAD (v2: 2 heterozygotes, 0 homozygotes). (I) 0502 - Missense variant with conflicting in silico predictions and uninformative conservation. (I) 0600 - Variant is located in the annotated ligand-binding domain (DECIPHER, Uniprot, NCBI). (I) 0705 - No comparable missense variants have previous evidence for pathogenicity. (I) 0809 - Previous evidence of pathogenicity for this variant is inconclusive. It has been classified as a VUS by diagnostic laboratories in ClinVar. (I) 0904 - Non-segregation of this variant with the phenotype under investigation has been clearly demonstrated. (SB) 1007 - No published functional evidence has been identified for this variant. (I) 1102 - Strong phenotype match for this individual. (I) Legend: (SP) - Supporting pathogenic, (I) - Information, (SB) - Supporting benign

Athena Diagnostics
Classification: Uncertain significance. Last evaluated: 2017-09-11. Review status: criteria provided, single submitter. Criteria: Athena Diagnostics Criteria. Collection method: clinical testing. Allele origin: germline.

Literature cited by the submitters: PubMed 11807402 (cited by Victorian Clinical Genetics Services, Murdoch Childrens Research Institute); PubMed 22422767 (cited by Victorian Clinical Genetics Services, Murdoch Childrens Research Institute); PubMed 26646938 (cited by Victorian Clinical Genetics Services, Murdoch Childrens Research Institute).

NM_000388.4(CASR):c.527A>G (p.Asn176Ser)

Gene: CASR (calcium sensing receptor; plus strand). Cytogenetic location: 3q21.1.
Variant type: single nucleotide variant.
Coding change: c.527A>G on transcript NM_000388.4 (MANE Select); coding-DNA position 527, A replaced by G.
Protein change: p.Asn176Ser; replaces asparagine 176 with serine.
Molecular consequence: missense variant.
Genome position (GRCh38, 1-based): chr3:122,261,562, A>G. VCF-style: chr3-122261562-A-G. GRCh37 (hg19) VCF-style: chr3-121980409-A-G.
Other names: p.Asn176Ser; c.527A>G, p.Asn176Ser (NM_001178065.2); short protein forms N176S.
Identifiers: ClinVar variation 410332 (VCV000410332.12), dbSNP rs1060502849, ClinGen allele CA16611289.